The following is an entry in ClinVar:

NM_000260.4(MYO7A):c.4251C>T (p.Ile1417=)

Gene: MYO7A (myosin VIIA; plus strand). Cytogenetic location: 11q13.5.
Variant type: single nucleotide variant.
Coding change: c.4251C>T on transcript NM_000260.4 (MANE Select); coding-DNA position 4251, C replaced by T.
Protein change: p.Ile1417=; no amino-acid change (isoleucine 1417 retained).
Molecular consequence: synonymous variant.
Genome position (GRCh38, 1-based): chr11:77,194,452, C>T. VCF-style: chr11-77194452-C-T. GRCh37 (hg19) VCF-style: chr11-76905497-C-T.
Other names: c.4251C>T, p.Ile1417= (NM_001127180.2); c.4218C>T, p.Ile1406= (NM_001369365.1).
Identifiers: ClinVar variation 43235 (VCV000043235.9), dbSNP rs397516307, ClinGen allele CA132318.

ClinVar aggregate classification (germline): Likely benign. Review status: criteria provided, multiple submitters, no conflicts (2 of 4 stars). 2 submissions from 2 submitters: Likely benign (2). Last evaluated 2022-11-30.

Submissions (2):

Labcorp Genetics (formerly Invitae), Labcorp
Classification: Likely benign. Last evaluated: 2022-11-30. Review status: criteria provided, single submitter. Criteria: Invitae Variant Classification Sherloc (09022015). Collection method: clinical testing. Allele origin: germline.

Laboratory for Molecular Medicine, Mass General Brigham Personalized Medicine
Classification: Likely benign. Last evaluated: 2011-09-25. Review status: criteria provided, single submitter. Criteria: LMM Criteria. Collection method: clinical testing. Allele origin: germline. Observed: 1 variant allele.
Comment: Ile1417Ile in exon 32 of MYO7A: This variant is not expected to have clinical si gnificance because it does not alter an amino acid residue and is not located ne ar a splice junction.